The following is an entry in ClinVar:

NM_001378454.1(ALMS1):c.7361C>T (p.Thr2454Ile)

Gene: ALMS1 (ALMS1 centrosome and basal body associated protein; plus strand). Cytogenetic location: 2p13.1.
Variant type: single nucleotide variant.
Coding change: c.7361C>T on transcript NM_001378454.1 (MANE Select); coding-DNA position 7361, C replaced by T.
Protein change: p.Thr2454Ile; replaces threonine 2454 with isoleucine.
Molecular consequence: missense variant.
Genome position (GRCh38, 1-based): chr2:73,453,888, C>T. VCF-style: chr2-73453888-C-T. GRCh37 (hg19) VCF-style: chr2-73681015-C-T.
Other names: c.7364C>T, p.Thr2455Ile (NM_015120.4); short protein forms T2454I, T2455I.
Identifiers: ClinVar variation 2078330 (VCV002078330.1), dbSNP rs779210488, ClinGen allele CA1714220.
Genomic context (GRCh38, chr2:73,453,888, plus strand): 5'-AGTCTTTGGAATCAGTTTCTGATGTTCTTCTAAACTTCTTTCCATATGTTTCACCCAAGA[C>T]AAGTATAACAGATAGCAGGGAGGAAGAGGGTGTGTCAGAGAGTGAGGATGGTGGTGGTAG-3'
Protein context (NP_001365383.1, residues 2444-2464): LNFFPYVSPK[Thr2454Ile]SITDSREEEG

ClinVar aggregate classification (germline): Uncertain significance (1 of 4 stars; one submission).

Conditions:
Alstrom syndrome (ALMS). Identifiers: Orphanet 64, MedGen C0268425, MONDO:0008763, OMIM 203800.

Allele frequency attached by ClinVar (database versions not stated): gnomAD exomes below 0.00001; ExAC 0.00001.
gnomAD v4.1: 5 of 1,614,030 alleles (0.00031%); highest among the groups gnomAD compares: Non-Finnish European, 0.00042%; no homozygotes.

Submission:

Labcorp Genetics (formerly Invitae), Labcorp
Classification: Uncertain significance for Alstrom syndrome. Last evaluated: 2022-06-07. Review status: criteria provided, single submitter. Criteria: Invitae Variant Classification Sherloc (09022015). Collection method: clinical testing. Allele origin: germline.
Comment: This sequence change replaces threonine, which is neutral and polar, with isoleucine, which is neutral and non-polar, at codon 2455 of the ALMS1 protein (p.Thr2455Ile). This variant is present in population databases (rs779210488, gnomAD 0.0009%). This variant has not been reported in the literature in individuals affected with ALMS1-related conditions. Experimental studies and prediction algorithms are not available or were not evaluated, and the functional significance of this variant is currently unknown. In summary, the available evidence is currently insufficient to determine the role of this variant in disease. Therefore, it has been classified as a Variant of Uncertain Significance.